The following is an entry in ClinVar:

NM_001384474.1(LOXHD1):c.1856G>A (p.Arg619Gln)

Gene: LOXHD1 (lipoxygenase homology PLAT domains 1; minus strand). Cytogenetic location: 18q21.1.
Variant type: single nucleotide variant.
Coding change: c.1856G>A on transcript NM_001384474.1 (MANE Select); coding-DNA position 1856, G replaced by A.
Protein change: p.Arg619Gln; replaces arginine 619 with glutamine.
Molecular consequence: missense variant.
Genome position (GRCh38, 1-based): chr18:46,577,821, C>T on the plus strand (G>A on the coding strand, the complement: LOXHD1 is on the minus strand). VCF-style: chr18-46577821-C-T. GRCh37 (hg19) VCF-style: chr18-44157784-C-T.
Other names: c.1856G>A, p.Arg619Gln (NM_144612.7); c.1856G>A (NM_144612.6); short protein forms R619Q.
Identifiers: ClinVar variation 2148078 (VCV002148078.3), dbSNP rs781769655, ClinGen allele CA8952745.

ClinVar aggregate classification (germline): Conflicting classifications of pathogenicity. Review status: criteria provided, conflicting classifications (1 of 4 stars). 3 submissions from 3 submitters: Likely pathogenic (1); Uncertain significance (2). Last evaluated 2024-11-11.

Conditions:
Autosomal recessive nonsyndromic hearing loss 77. Identifiers: Orphanet 90636, MedGen C2746083, MONDO:0013119, OMIM 613079.
Inborn genetic diseases. Identifiers: MedGen C0950123, MeSH D030342.

Allele frequency attached by ClinVar (database versions not stated): TOPMed 0.00001; gnomAD 0.00003; gnomAD exomes 0.00005; ExAC 0.00009.

Submissions (3):

Ambry Genetics
Classification: Uncertain significance for Inborn genetic diseases. Last evaluated: 2024-11-11. Review status: criteria provided, single submitter. Criteria: Ambry Variant Classification Scheme 2023. Collection method: clinical testing. Allele origin: germline.

Laboratory of Prof. Karen Avraham, Tel Aviv University
Classification: Likely pathogenic for Autosomal recessive nonsyndromic hearing loss 77. Last evaluated: 2024-05-29. Review status: criteria provided, single submitter. Criteria: ACMG Guidelines, 2015. Collection method: research. Allele origin: germline. Affected: yes. Observed: 1 variant allele.
Comment: Homozygosity of a rare variant that is predicted to cause damage by most prediction programs

DFNB77; high-tone normal-severe HL

Labcorp Genetics (formerly Invitae), Labcorp
Classification: Uncertain significance. Last evaluated: 2021-09-30. Review status: criteria provided, single submitter. Criteria: Invitae Variant Classification Sherloc (09022015). Collection method: clinical testing. Allele origin: germline.
Comment: This sequence change replaces arginine with glutamine at codon 619 of the LOXHD1 protein (p.Arg619Gln). The arginine residue is moderately conserved and there is a small physicochemical difference between arginine and glutamine. This variant is present in population databases (rs781769655, ExAC 0.04%). This variant has not been reported in the literature in individuals with LOXHD1-related conditions. Algorithms developed to predict the effect of missense changes on protein structure and function are either unavailable or do not agree on the potential impact of this missense change (SIFT: "Deleterious"; PolyPhen-2: "Benign"; Align-GVGD: "Class C0"). In summary, the available evidence is currently insufficient to determine the role of this variant in disease. Therefore, it has been classified as a Variant of Uncertain Significance.